The following is an entry in ClinVar:

NM_053055.5(THEM4):c.678G>A (p.Ala226=)

Gene: THEM4 (thioesterase superfamily member 4; minus strand). Cytogenetic location: 1q21.3.
Variant type: single nucleotide variant.
Coding change: c.678G>A on transcript NM_053055.5 (MANE Select); coding-DNA position 678, G replaced by A.
Protein change: p.Ala226=; no amino-acid change (alanine 226 retained).
Molecular consequence: synonymous variant.
Genome position (GRCh38, 1-based): chr1:151,877,005, C>T on the plus strand (G>A on the coding strand, the complement: THEM4 is on the minus strand). VCF-style: chr1-151877005-C-T. GRCh37 (hg19) VCF-style: chr1-151849481-C-T.
Identifiers: ClinVar variation 2639183 (VCV002639183.24), dbSNP rs146012344, ClinGen allele CA1096482.

ClinVar aggregate classification (germline): Likely benign (1 of 4 stars; one submission).

Allele frequency attached by ClinVar (database versions not stated): gnomAD exomes 0.00002; ExAC 0.00009; gnomAD 0.00014; TOPMed 0.00016; ESP Exome Variant Server 0.00023.
gnomAD v4.1: 56 of 1,604,448 alleles (0.0035%); highest among the groups gnomAD compares: African/African-American, 0.054%; no homozygotes.

Submission:

CeGaT Center for Human Genetics Tuebingen
Classification: Likely benign. Last evaluated: 2022-09-01. Review status: criteria provided, single submitter. Criteria: CeGaT Center For Human Genetics Tuebingen Variant Classification Criteria Version 2. Collection method: clinical testing. Allele origin: germline. Affected: yes. Observed: 1 variant allele.
Comment: THEM4: BP4, BP7